The following is an entry in ClinVar:

NM_014908.4(DOLK):c.162C>G (p.Phe54Leu)

Gene: DOLK (dolichol kinase; minus strand). Cytogenetic location: 9q34.11.
Variant type: single nucleotide variant.
Coding change: c.162C>G on transcript NM_014908.4 (MANE Select); coding-DNA position 162, C replaced by G.
Protein change: p.Phe54Leu; replaces phenylalanine 54 with leucine.
Molecular consequence: missense variant.
Genome position (GRCh38, 1-based): chr9:128,947,142, G>C on the plus strand (C>G on the coding strand, the complement: DOLK is on the minus strand). VCF-style: chr9-128947142-G-C. GRCh37 (hg19) VCF-style: chr9-131709421-G-C.
Other names: short protein forms F54L.
Identifiers: ClinVar variation 3085206 (VCV003085206.2), dbSNP rs1841687343, ClinGen allele CA375127980.

ClinVar aggregate classification (germline): Uncertain significance (1 of 4 stars; one submission).

Conditions:
Cardiovascular phenotype. Identifiers: MedGen CN230736.

Submission:

Ambry Genetics
Classification: Uncertain significance for Cardiovascular phenotype. Last evaluated: 2025-08-28. Review status: criteria provided, single submitter. Criteria: Ambry Variant Classification Scheme 2023. Collection method: clinical testing. Allele origin: germline.
Comment: The p.F54L variant (also known as c.162C>G), located in coding exon 1 of the DOLK gene, results from a C to G substitution at nucleotide position 162. The phenylalanine at codon 54 is replaced by leucine, an amino acid with highly similar properties. This amino acid position is conserved. In addition, this alteration is predicted to be deleterious by in silico analysis. Based on the available evidence, the clinical significance of this variant remains unclear.